The following is an entry in ClinVar:

NM_000138.5(FBN1):c.2115G>A (p.Ala705=)

Gene: FBN1 (fibrillin 1; minus strand). Cytogenetic location: 15q21.1.
Variant type: single nucleotide variant.
Coding change: c.2115G>A on transcript NM_000138.5 (MANE Select); coding-DNA position 2115, G replaced by A.
Protein change: p.Ala705=; no amino-acid change (alanine 705 retained).
Molecular consequence: synonymous variant.
Genome position (GRCh38, 1-based): chr15:48,499,037, C>T on the plus strand (G>A on the coding strand, the complement: FBN1 is on the minus strand). VCF-style: chr15-48499037-C-T. GRCh37 (hg19) VCF-style: chr15-48791234-C-T.
Identifiers: ClinVar variation 628256 (VCV000628256.10), dbSNP rs932764622, ClinGen allele CA269541189.
Genomic context (GRCh38, chr15:48,499,037, plus strand): 5'-ATCCTTACCACTGCCTGCTGACGTCATTCCTGGCCCACTGCTGCAGAGTGCCTGATATTC[C>T]GCTGCAATAAATTAACAGATAGTAAATGATTCCCTTGTTTGCAGAACAGGTAGATCCTGC-3'
Protein context (NP_000129.3, residues 695-715): PCQPCPAQNS[Ala705=]EYQALCSSGP

ClinVar aggregate classification (germline): Conflicting classifications of pathogenicity. Review status: criteria provided, conflicting classifications (1 of 4 stars). 5 submissions from 5 submitters: Uncertain significance (3); Likely benign (2). Last evaluated 2026-01-09.

Conditions:
Familial thoracic aortic aneurysm and aortic dissection (TAAD). Also called: Thoracic aortic aneurysms and dissections. Identifiers: Orphanet 91387, MedGen C4707243, MONDO:0019625.
Marfan syndrome (MFS). Also called: FBN1-Related Marfan Syndrome; Marfan syndrome type 1; Marfan's syndrome; Marfan syndrome, classic; MARFAN SYNDROME, TYPE I. Identifiers: Orphanet 284963, Orphanet 558, MedGen C0024796, MONDO:0007947, OMIM 154700.

Allele frequency attached by ClinVar (database versions not stated): gnomAD 0.00001; gnomAD exomes 0.00001; TOPMed 0.00002.
gnomAD v4.1: 23 of 1,613,970 alleles (0.0014%); highest among the groups gnomAD compares: South Asian, 0.0033%; no homozygotes.

Submissions (5):

Labcorp Genetics (formerly Invitae), Labcorp
Classification: Uncertain significance for Marfan syndrome; Familial thoracic aortic aneurysm and aortic dissection. Last evaluated: 2026-01-09. Review status: criteria provided, single submitter. Criteria: Invitae Variant Classification Sherloc (09022015). Collection method: clinical testing. Allele origin: germline.
Comment: This sequence change affects codon 705 of the FBN1 mRNA. It is a 'silent' change, meaning that it does not change the encoded amino acid sequence of the FBN1 protein. This variant is present in population databases (no rsID available, gnomAD 0.01%). This variant has been observed in individual(s) with clinical features of Marfan syndrome (internal data). ClinVar contains an entry for this variant (Variation ID: 628256). Algorithms developed to predict the effect of sequence changes on RNA splicing suggest that this variant may disrupt the consensus splice site. In summary, the available evidence is currently insufficient to determine the role of this variant in disease. Therefore, it has been classified as a Variant of Uncertain Significance.

GeneDx
Classification: Uncertain significance. Last evaluated: 2025-01-07. Review status: criteria provided, single submitter. Criteria: GeneDx Variant Classification Process June 2021. Collection method: clinical testing. Allele origin: germline. Affected: yes.
Comment: Not observed at significant frequency in large population cohorts (gnomAD); Has not been previously published as pathogenic or benign to our knowledge; In silico analysis suggests this variant may impact gene splicing. In the absence of RNA/functional studies, the actual effect of this sequence change is unknown.

Ambry Genetics
Classification: Uncertain significance for Familial thoracic aortic aneurysm and aortic dissection. Last evaluated: 2025-01-06. Review status: criteria provided, single submitter. Criteria: Ambry Variant Classification Scheme 2023. Collection method: clinical testing. Allele origin: germline.
Comment: The c.2115G>A variant (also known as p.A705A), located in coding exon 17 of the FBN1 gene, results from a G to A substitution at nucleotide position 2115. This nucleotide substitution does not change the amino acid at codon 705. This nucleotide position is not well conserved in available vertebrate species. In silico splice site analysis predicts that this alteration may result in the creation or strengthening of a novel splice acceptor site. Based on the available evidence, the clinical significance of this variant remains unclear.

All of Us Research Program, National Institutes of Health
Classification: Likely benign for Marfan syndrome. Last evaluated: 2024-02-05. Review status: criteria provided, single submitter. Criteria: ACMG Guidelines, 2015. Collection method: clinical testing. Allele origin: germline. Inheritance: Autosomal dominant inheritance. Observed: 5 variant alleles, 5 heterozygotes.
Comment: This study involves interpretation of variants in research participants for the purpose of population health screening. Participant phenotype was not available at the time of variant classification. Additional details can be found in publication PMID: 35346344, PMCID: PMC8962531

Color Diagnostics, LLC DBA Color Health
Classification: Likely benign for Familial thoracic aortic aneurysm and aortic dissection. Last evaluated: 2018-04-30. Review status: criteria provided, single submitter. Criteria: ACMG Guidelines, 2015. Collection method: clinical testing. Allele origin: germline.